The following is an entry in ClinVar:

ClinVar aggregate classification (germline): Uncertain significance. Review status: criteria provided, multiple submitters, no conflicts (2 of 4 stars). 2 submissions from 2 submitters: Uncertain significance (2). Last evaluated 2025-06-22.

Conditions:
Inborn genetic diseases. Identifiers: MedGen C0950123, MeSH D030342.

Submissions (2):

Ambry Genetics
Classification: Uncertain significance for Inborn genetic diseases. Last evaluated: 2025-06-22. Review status: criteria provided, single submitter. Criteria: Ambry Variant Classification Scheme 2023. Collection method: clinical testing. Allele origin: germline.
Comment: The p.L1615R variant (also known as c.4844T>G), located in coding exon 32 of the ANKRD26 gene, results from a T to G substitution at nucleotide position 4844. The leucine at codon 1615 is replaced by arginine, an amino acid with dissimilar properties. This amino acid position is conserved. In addition, this alteration is predicted to be tolerated by in silico analysis. Based on the available evidence, the clinical significance of this variant remains unclear.

Labcorp Genetics (formerly Invitae), Labcorp
Classification: Uncertain significance. Last evaluated: 2023-01-26. Review status: criteria provided, single submitter. Criteria: Invitae Variant Classification Sherloc (09022015). Collection method: clinical testing. Allele origin: germline.
Comment: In summary, the available evidence is currently insufficient to determine the role of this variant in disease. Therefore, it has been classified as a Variant of Uncertain Significance. Algorithms developed to predict the effect of missense changes on protein structure and function are either unavailable or do not agree on the potential impact of this missense change (SIFT: "Deleterious"; PolyPhen-2: "Possibly Damaging"; Align-GVGD: "Class C0"). This variant has not been reported in the literature in individuals affected with ANKRD26-related conditions. This variant is not present in population databases (gnomAD no frequency). This sequence change replaces leucine, which is neutral and non-polar, with arginine, which is basic and polar, at codon 1615 of the ANKRD26 protein (p.Leu1615Arg).

NM_014915.3(ANKRD26):c.4844T>G (p.Leu1615Arg)

Gene: ANKRD26 (ankyrin repeat domain 26; minus strand). Cytogenetic location: 10p12.1.
Variant type: single nucleotide variant.
Coding change: c.4844T>G on transcript NM_014915.3 (MANE Select); coding-DNA position 4844, T replaced by G.
Protein change: p.Leu1615Arg; replaces leucine 1615 with arginine.
Molecular consequence: missense variant.
Genome position (GRCh38, 1-based): chr10:27,012,991, A>C on the plus strand (T>G on the coding strand, the complement: ANKRD26 is on the minus strand). VCF-style: chr10-27012991-A-C. GRCh37 (hg19) VCF-style: chr10-27301920-A-C.
Other names: c.4841T>G, p.Leu1614Arg (NM_001256053.2); short protein forms L1614R, L1615R.
Identifiers: ClinVar variation 2801314 (VCV002801314.4), dbSNP rs2538525514, ClinGen allele CA376354680.